The following is an entry in ClinVar:

ClinVar aggregate classification (germline): Uncertain significance (1 of 4 stars; one submission).

gnomAD v4.1: 2 of 1,613,930 alleles (0.00012%); highest among the groups gnomAD compares: Non-Finnish European, 0.00017%; no homozygotes.

Submission:

Mayo Clinic Laboratories, Mayo Clinic
Classification: Uncertain significance. Last evaluated: 2025-06-09. Review status: criteria provided, single submitter. Criteria: ACMG Guidelines, 2015. Collection method: clinical testing. Allele origin: germline. Observed: 1 variant allele.
Comment: BP4, PM2_supporting

NM_032578.4(MYPN):c.3507G>C (p.Lys1169Asn)

Gene: MYPN (myopalladin; plus strand). Cytogenetic location: 10q21.3.
Variant type: single nucleotide variant.
Coding change: c.3507G>C on transcript NM_032578.4 (MANE Select); coding-DNA position 3507, G replaced by C.
Protein change: p.Lys1169Asn; replaces lysine 1169 with asparagine.
Molecular consequence: missense variant. On other transcripts: non-coding transcript variant (2).
Genome position (GRCh38, 1-based): chr10:68,201,842, G>C. VCF-style: chr10-68201842-G-C. GRCh37 (hg19) VCF-style: chr10-69961599-G-C.
Other names: p.Lys1169Asn; c.3507G>C, p.Lys1169Asn (NM_001256267.2); c.2625G>C, p.Lys875Asn (NM_001256268.2); short protein forms K1169N, K875N.
Identifiers: ClinVar variation 4541543 (VCV004541543.1).